The following is an entry in ClinVar:

ClinVar aggregate classification (germline): Pathogenic. Review status: criteria provided, single submitter (1 of 4 stars). 2 submissions from 2 submitters: Pathogenic (1). 1 of the submissions does not count toward it. Last evaluated 2022-01-26.

Conditions:
Diamond-Blackfan anemia. Also called: Blackfan Diamond syndrome; Aregenerative anemia chronic congenital; Red cell aplasia, pure hereditary; Congenital hypoplastic anemia; Aase syndrome. Identifiers: Orphanet 124, MedGen C1260899, MeSH D029503, MONDO:0015253, HP:0004810.
GATA binding protein 1 related thrombocytopenia with dyserythropoiesis. Also called: GATA1-Related X-Linked Cytopenia; GATA1-Related Cytopenia. Identifiers: MedGen C1845837, MONDO:0100089.
GATA1-related disorder. Also called: GATA1-related condition.

Submissions (2):

Labcorp Genetics (formerly Invitae), Labcorp
Classification: Pathogenic for GATA binding protein 1 related thrombocytopenia with dyserythropoiesis; Diamond-Blackfan anemia. Last evaluated: 2022-01-26. Review status: criteria provided, single submitter. Criteria: Invitae Variant Classification Sherloc (09022015). Collection method: clinical testing. Allele origin: germline.
Comment: For these reasons, this variant has been classified as Pathogenic. Algorithms developed to predict the effect of sequence changes on RNA splicing suggest that this variant may create or strengthen a splice site. This variant has not been reported in the literature in individuals affected with GATA1-related conditions. This variant is not present in population databases (gnomAD no frequency). This sequence change creates a premature translational stop signal (p.Ala59Leufs*82) in the GATA1 gene. It is expected to result in an absent or disrupted protein product. Loss-of-function variants in GATA1 are known to be pathogenic (PMID: 16783379, 22706301, 23704091, 24453067).

PreventionGenetics, part of Exact Sciences
Classification: Likely pathogenic for GATA1-related condition. Last evaluated: 2024-08-23. Review status: no assertion criteria provided. Collection method: clinical testing. Allele origin: germline. Not counted in ClinVar's aggregate classification.
Comment: The GATA1 c.164_174dup11 variant is predicted to result in a frameshift and premature protein termination (p.Ala59Leufs*82). To our knowledge, this variant has not been reported in the literature or in a large population database, indicating this variant is rare. Frameshift variants in GATA1 are expected to be pathogenic. This variant is interpreted as likely pathogenic.

Literature cited by the submitters: PubMed 16783379 (cited by Labcorp Genetics (formerly Invitae), Labcorp); PubMed 22706301 (cited by Labcorp Genetics (formerly Invitae), Labcorp); PubMed 23704091 (cited by Labcorp Genetics (formerly Invitae), Labcorp); PubMed 24453067 (cited by Labcorp Genetics (formerly Invitae), Labcorp).

NM_002049.4(GATA1):c.164_174dup (p.Ala59fs)

Gene: GATA1 (GATA binding protein 1; plus strand). Cytogenetic location: Xp11.23.
Variant type: Duplication.
Coding change: c.164_174dup on transcript NM_002049.4 (MANE Select); coding-DNA positions 164 to 174, 11 bases duplicated (CTGCAGCTGCG).
Protein change: p.Ala59fs; shifts the reading frame from alanine 59.
Molecular consequence: frameshift variant.
Genome position (GRCh38, 1-based): chrX:48,791,273-48,791,283, CTGCAGCTGCG duplicated; duplicating any 11 consecutive bases within chrX:48,791,271-48,791,283 gives the same sequence; the c. name uses the placement nearest the transcript's 3' end. VCF-style (leftmost placement, unchanged base first): chrX-48791270-C-CCGCTGCAGCTG. GRCh37 (hg19) VCF-style: chrX-48649677-C-CCGCTGCAGCTG.
Other names: c.164_174dup11 (NM_002049.3); short protein forms A59fs.
Identifiers: ClinVar variation 2090004 (VCV002090004.5), dbSNP rs2519343795, ClinGen allele CA2580101160.